The following is an entry in ClinVar:

ClinVar aggregate classification (germline): Uncertain significance (1 of 4 stars; one submission).

Conditions:
Atrioventricular septal defect 4 (AVSD4). Identifiers: MedGen C3280781, MONDO:0013747, OMIM 614430.

Allele frequency attached by ClinVar (database versions not stated): gnomAD exomes below 0.00001.
gnomAD v4.1: 1 of 1,614,182 alleles (0.000062%); highest among the groups gnomAD compares: Non-Finnish European, 0.000085%; no homozygotes.

Submission:

Labcorp Genetics (formerly Invitae), Labcorp
Classification: Uncertain significance for Atrioventricular septal defect 4. Last evaluated: 2018-07-31. Review status: criteria provided, single submitter. Criteria: Invitae Variant Classification Sherloc (09022015). Collection method: clinical testing. Allele origin: germline.
Comment: This sequence change replaces alanine with threonine at codon 222 of the GATA4 protein (p.Ala222Thr). The alanine residue is highly conserved and there is a small physicochemical difference between alanine and threonine. In summary, the available evidence is currently insufficient to determine the role of this variant in disease. Therefore, it has been classified as a Variant of Uncertain Significance. Algorithms developed to predict the effect of missense changes on protein structure and function are either unavailable or do not agree on the potential impact of this missense change (SIFT: "Tolerated"; PolyPhen-2: "Possibly Damaging"; Align-GVGD: "Class C0"). This variant has not been reported in the literature in individuals with GATA4-related disease. This variant is not present in population databases (ExAC no frequency).

NM_001308093.3(GATA4):c.667G>A (p.Ala223Thr)

Gene: GATA4 (GATA binding protein 4). Cytogenetic location: 8p23.1.
Variant type: single nucleotide variant.
Coding change: c.667G>A on transcript NM_001308093.3 (MANE Select); coding-DNA position 667, G replaced by A.
Protein change: p.Ala223Thr; replaces alanine 223 with threonine.
Molecular consequence: missense variant.
Genome position (GRCh38, 1-based): chr8:11,748,966, G>A. VCF-style: chr8-11748966-G-A. GRCh37 (hg19) VCF-style: chr8-11606475-G-A.
Other names: c.46G>A, p.Ala16Thr (NM_001308094.2, NM_001374273.1, NM_001374274.1); c.664G>A, p.Ala222Thr (NM_002052.5); short protein forms A16T, A222T, A223T.
Identifiers: ClinVar variation 653646 (VCV000653646.8), dbSNP rs1585684709, ClinGen allele CA370312629.
Genomic context (GRCh38, chr8:11,748,966, plus strand): 5'-CCCAACTCAGTAGATATGTTTGACGACTTCTCAGAAGGCAGAGAGTGTGTCAACTGTGGG[G>A]CTATGTCCACCCCGCTCTGGAGGCGAGATGGGACGGGTCACTATCTGTGCAACGCCTGCG-3'
Protein context (NP_001295022.1, residues 213-233): SEGRECVNCG[Ala223Thr]MSTPLWRRDG